The following is an entry in ClinVar:

NM_000051.4(ATM):c.8053T>C (p.Ser2685Pro)

Genes: ATM (ATM serine/threonine kinase; plus strand), C11orf65 (chromosome 11 open reading frame 65; minus strand). Cytogenetic location: 11q22.3.
Variant type: single nucleotide variant.
Coding change: c.8053T>C on transcript NM_000051.4 (MANE Select); coding-DNA position 8053, T replaced by C.
Protein change: p.Ser2685Pro; replaces serine 2685 with proline.
Molecular consequence: missense variant. On other transcripts: intron variant (2).
Genome position (GRCh38, 1-based): chr11:108,335,011, T>C. VCF-style: chr11-108335011-T-C. GRCh37 (hg19) VCF-style: chr11-108205738-T-C.
Other names: c.8053T>C, p.Ser2685Pro (NM_001351834.2); c.641-25940A>G (NM_001330368.2); c.*38+209A>G (NM_001351110.2); short protein forms S2685P.
Identifiers: ClinVar variation 2713672 (VCV002713672.4), dbSNP rs2136657100, ClinGen allele CA382561933.
Genomic context (GRCh38, chr11:108,335,011, plus strand): 5'-TGTTTATACTTTTATTAGGTGGACCACACAGGAGAATATGGAAATCTGGTGACTATACAG[T>C]CATTTAAAGCAGAATTTCGCTTAGCAGGAGGTGTAAATTTACCAAAAATAATAGATTGTG-3'
Protein context (NP_000042.3, residues 2675-2695): GEYGNLVTIQ[Ser2685Pro]FKAEFRLAGG

ClinVar aggregate classification (germline): Uncertain significance. Review status: criteria provided, multiple submitters, no conflicts (2 of 4 stars). 2 submissions from 2 submitters: Uncertain significance (2). Last evaluated 2024-04-22.

Conditions:
Ataxia-telangiectasia syndrome (AT). Also called: LOUIS-BAR SYNDROME; Cerebello-oculocutaneous telangiectasia; Immunodeficiency with ataxia telangiectasia; Ataxia telangiectasia (A-T); Ataxia-telangiectasia, complementation group D; AT, COMPLEMENTATION GROUP C. Identifiers: Orphanet 100, MedGen C0004135, MONDO:0008840, OMIM 208900.
Hereditary cancer-predisposing syndrome. Also called: Tumor predisposition; Neoplastic Syndromes, Hereditary; Hereditary Cancer Syndrome; Hereditary neoplastic syndrome. Identifiers: Orphanet 140162, MedGen C0027672, MeSH D009386, MONDO:0015356.

Submissions (2):

Ambry Genetics
Classification: Uncertain significance for Hereditary cancer-predisposing syndrome. Last evaluated: 2024-04-22. Review status: criteria provided, single submitter. Criteria: Ambry Variant Classification Scheme 2023. Collection method: clinical testing. Allele origin: germline.
Comment: The p.S2685P variant (also known as c.8053T>C), located in coding exon 54 of the ATM gene, results from a T to C substitution at nucleotide position 8053. The serine at codon 2685 is replaced by proline, an amino acid with similar properties. This amino acid position is conserved. In addition, this alteration is predicted to be deleterious by in silico analysis. Based on the available evidence, the clinical significance of this variant remains unclear.

Labcorp Genetics (formerly Invitae), Labcorp
Classification: Uncertain significance for Ataxia-telangiectasia syndrome. Last evaluated: 2023-09-10. Review status: criteria provided, single submitter. Criteria: Invitae Variant Classification Sherloc (09022015). Collection method: clinical testing. Allele origin: germline.
Comment: In summary, the available evidence is currently insufficient to determine the role of this variant in disease. Therefore, it has been classified as a Variant of Uncertain Significance. An algorithm developed to predict the effect of missense changes on protein structure and function (PolyPhen-2) suggests that this variant is likely to be disruptive. This variant has not been reported in the literature in individuals affected with ATM-related conditions. This variant is not present in population databases (gnomAD no frequency). This sequence change replaces serine, which is neutral and polar, with proline, which is neutral and non-polar, at codon 2685 of the ATM protein (p.Ser2685Pro).